The following is an entry in ClinVar:

NM_000492.4(CFTR):c.263T>G (p.Leu88Ter)

Gene: CFTR (CF transmembrane conductance regulator; plus strand). Cytogenetic location: 7q31.2.
Variant type: single nucleotide variant.
Coding change: c.263T>G on transcript NM_000492.4 (MANE Select); coding-DNA position 263, T replaced by G.
Protein change: p.Leu88Ter; replaces leucine 88 with a stop codon.
Molecular consequence: nonsense.
Genome position (GRCh38, 1-based): chr7:117,509,132, T>G. VCF-style: chr7-117509132-T-G. GRCh37 (hg19) VCF-style: chr7-117149186-T-G.
Other names: short protein forms L88*.
Identifiers: ClinVar variation 53534 (VCV000053534.23), dbSNP rs397508412, ClinGen allele CA326876.
Genomic context (GRCh38, chr7:117,509,132, plus strand): 5'-AACTCATTAATGCCCTTCGGCGATGTTTTTTCTGGAGATTTATGTTCTATGGAATCTTTT[T>G]ATATTTAGGGGTAAGGATCTCATTTGTACATTCATTATGTATCACATAACTATATTCATT-3'

ClinVar aggregate classification (germline): Pathogenic. Review status: reviewed by expert panel (3 of 4 stars). 11 submissions from 11 submitters: Pathogenic (1). 10 of the submissions do not count toward it. Last evaluated 2017-03-17.

Conditions:
CFTR-related disorder (CFTR-RD). Also called: CFTR-related condition; CFTR-related disorders. Identifiers: MedGen C5924204, MONDO:7770004.
Cystic fibrosis (CF). Also called: MUCOVISCIDOSIS. Identifiers: Orphanet 586, MedGen C0010674, MONDO:0009061, OMIM 219700. Disease mechanism: loss of function.
Bronchiectasis with or without elevated sweat chloride 1 (BESC1). Also called: Cystic Fibrosis-Like Syndrome. Identifiers: Orphanet 60033, MedGen C2749757, MONDO:0008887, OMIM 211400.
Hereditary pancreatitis (PCTT). Also called: Hereditary chronic pancreatitis; PRSS1-Related Hereditary Pancreatitis. Identifiers: Orphanet 676, MedGen C0238339, MONDO:0008185, OMIM 167800.
Congenital bilateral aplasia of vas deferens from CFTR mutation (CBAVD). Identifiers: Orphanet 48, MedGen C0403814, MONDO:0010178, OMIM 277180. Disease mechanism: loss of function.

Allele frequency attached by ClinVar (database versions not stated): TOPMed below 0.00001.
gnomAD v4.1: 1 of 1,550,230 alleles (0.000065%); highest among the groups gnomAD compares: East Asian, 0.0022%; no homozygotes.

Submissions (11):

CFTR2
Classification: Pathogenic for Cystic fibrosis. Last evaluated: 2017-03-17. Review status: reviewed by expert panel. Criteria: Sosnay PR et al. (Nat Genet 2013). Collection method: research. Allele origin: germline. Affected: yes. Study: CFTR2.

3billion
Classification: Pathogenic for Cystic fibrosis. Last evaluated: 2026-01-08. Review status: criteria provided, single submitter. Criteria: ACMG Guidelines, 2015. Collection method: clinical testing. Allele origin: germline. Affected: yes. Not counted in ClinVar's aggregate classification.
Comment: The variant is observed at an extremely low frequency in the gnomAD v4.1.0 dataset (total allele frequency: <0.001%). Predicted Consequence/Location: Stop-gained (nonsense): predicted to result in a loss or disruption of normal protein function through nonsense-mediated decay (NMD) or protein truncation. Multiple pathogenic variants are reported downstream of the variant. The variant has been reported to be in trans with a pathogenic variant as either compound heterozygous or homozygous in at least one similarly affected unrelated individual (3billion dataset). The variant has been reported multiple times as an established pathogenic variant (ClinVar ID: VCV000053534 /PMID: 1284542 /3billion dataset). Therefore, this variant is classified as Pathogenic according to the recommendation of ACMG/AMP guideline.

Natera, Inc.
Classification: Pathogenic for CFTR-related disorders. Last evaluated: 2025-12-11. Review status: criteria provided, single submitter. Criteria: Natera Variant Classification Schema (03/2026). Collection method: clinical testing. Allele origin: germline. Not counted in ClinVar's aggregate classification.
Comment: The c.263T>G variant in CFTR is a nonsense variant predicted to introduce a stop codon at amino acid 88. This variant is expected to result in nonsense mediated decay, truncation, or a dysfunctional protein product. This variant is rare in the general population with a frequency below the threshold expected for the associated phenotype(s). This variant has been observed in one or more individuals affected with the associated recessive disease, as either homozygous or compound heterozygous with a second variant (PMID: 18955805). Given the available evidence, this variant is classified as Pathogenic.

Labcorp Genetics (formerly Invitae), Labcorp
Classification: Pathogenic for Cystic fibrosis. Last evaluated: 2024-11-03. Review status: criteria provided, single submitter. Criteria: Invitae Variant Classification Sherloc (09022015). Collection method: clinical testing. Allele origin: germline. Not counted in ClinVar's aggregate classification.
Comment: This sequence change creates a premature translational stop signal (p.Leu88*) in the CFTR gene. It is expected to result in an absent or disrupted protein product. Loss-of-function variants in CFTR are known to be pathogenic (PMID: 1695717, 7691345, 9725922). This variant is not present in population databases (gnomAD no frequency). This premature translational stop signal has been observed in individual(s) with cystic fibrosis (PMID: 1284542, 18955805, 23302613). In at least one individual the data is consistent with being in trans (on the opposite chromosome) from a pathogenic variant. ClinVar contains an entry for this variant (Variation ID: 53534). For these reasons, this variant has been classified as Pathogenic.

Fulgent Genetics
Classification: Pathogenic for Hereditary pancreatitis; Bronchiectasis with or without elevated sweat chloride 1; Cystic fibrosis; Congenital bilateral aplasia of vas deferens from CFTR mutation. Last evaluated: 2024-06-07. Review status: criteria provided, single submitter. Criteria: ACMG Guidelines, 2015. Collection method: clinical testing. Allele origin: germline. Not counted in ClinVar's aggregate classification.

Baylor Genetics
Classification: Pathogenic for Bronchiectasis with or without elevated sweat chloride 1. Last evaluated: 2023-09-17. Review status: criteria provided, single submitter. Criteria: ACMG Guidelines, 2015. Collection method: clinical testing. Allele origin: unknown. Not counted in ClinVar's aggregate classification.

CFTR-France
Classification: Pathogenic for cystic fibrosis; CFTR-related disorders. Last evaluated: 2021-08-31. Review status: criteria provided, single submitter. Criteria: Claustres M et al. (Hum Mutat 2017). Collection method: curation. Allele origin: germline. Affected: yes. Not counted in ClinVar's aggregate classification.
Comment: the variant causes a phenotype but regarding our data, we can't formally attribute it to CF, CFTR-RD or both

Ambry Genetics
Classification: Pathogenic for Cystic fibrosis. Last evaluated: 2018-10-09. Review status: criteria provided, single submitter. Criteria: Ambry Variant Classification Scheme 2023. Collection method: clinical testing. Allele origin: germline. Not counted in ClinVar's aggregate classification.
Comment: The p.L88* pathogenic mutation (also known as c.263T>G), located in coding exon 3 of the CFTR gene, results from a T to G substitution at nucleotide position 263. This changes the amino acid from a leucine to a stop codon within coding exon 3. This alteration and another nucleotide substitution with the same protein impact (c.263T>A) have been detected in patients reported to have cystic fibrosis with another pathogenic CFTR mutation reported as occurring in trans (Macek M et al. Hum. Mutat., 1992;1:501-2; Savov A et al. Hum. Mol. Genet., 1994 Jan;3:57-60; Ko JM et al. J. Korean Med. Sci., 2008 Oct;23:912-5). In addition to the clinical data presented in the literature, this alteration is expected to result in loss of function by premature protein truncation or nonsense-mediated mRNA decay. As such, this alteration is interpreted as a disease-causing mutation.

Women's Health and Genetics/Laboratory Corporation of America, LabCorp
Classification: Pathogenic. Last evaluated: 2018-05-25. Review status: criteria provided, single submitter. Criteria: LabCorp Variant Classification Summary - May 2015. Collection method: clinical testing. Allele origin: germline. Not counted in ClinVar's aggregate classification.
Comment: Variant summary: CFTR c.263T>G (p.Leu88X) results in a premature termination codon, predicted to cause a truncation of the encoded protein or absence of the protein due to nonsense mediated decay, which are commonly known mechanisms for disease. The variant was absent in 245518 control chromosomes. c.263T>G has been reported in the literature in multiple individuals affected with Cystic Fibrosis (Savov 1995, Ko 2008, Tian 2016). These data indicate that the variant is very likely to be associated with disease. To our knowledge, no experimental evidence demonstrating an impact on protein function has been reported. Two clinical diagnostic laboratories have submitted clinical-significance assessments for this variant to ClinVar after 2014 without evidence for independent evaluation, and classified the variant as pathogenic and likely pathogenic. Based on the evidence outlined above, the variant was classified as pathogenic.

Juno Genomics, Hangzhou Juno Genomics, Inc
Classification: Pathogenic for Bronchiectasis with or without elevated sweat chloride 1; Hereditary pancreatitis; Congenital bilateral aplasia of vas deferens from CFTR mutation; Cystic fibrosis. Review status: criteria provided, single submitter. Criteria: ACMG Guidelines, 2015. Collection method: clinical testing. Allele origin: germline. Not counted in ClinVar's aggregate classification.
Comment: Absent from controls (or at extremely low frequency if recessive) in Genome Aggregation Database.;Null variant in a gene where loss of function (LOF) is a known mechanism of disease.;For recessive disorders, detected in trans with a pathogenic variant.

Counsyl
Classification: Likely pathogenic for Cystic fibrosis. Last evaluated: 2016-03-18. Review status: no assertion criteria provided. Collection method: clinical testing. Allele origin: unknown. Not counted in ClinVar's aggregate classification.

Literature cited by the submitters: PubMed 1284542 (cited by 4 submitters); PubMed 18955805 (cited by 5 submitters); PubMed 1695717 (cited by Labcorp Genetics (formerly Invitae), Labcorp); PubMed 7691345 (cited by Labcorp Genetics (formerly Invitae), Labcorp); PubMed 9725922 (cited by Labcorp Genetics (formerly Invitae), Labcorp); PubMed 23302613 (cited by 3 submitters); PubMed 27806795 (cited by Ambry Genetics); PubMed 7512860 (cited by Ambry Genetics); PubMed 8528204 (cited by Women's Health and Genetics/Laboratory Corporation of America, LabCorp and Counsyl); PubMed 27081564 (cited by Women's Health and Genetics/Laboratory Corporation of America, LabCorp); PubMed 23420618 (cited by Counsyl).